The following is an entry in ClinVar:

NC_000020.10:g.(?_62298812)_(62298916_?)dup

Gene: RTEL1 (regulator of telomere elongation helicase 1; plus strand). Cytogenetic location: 20q13.33.
Variant type: Duplication.
Identifiers: ClinVar variation 1517430 (VCV001517430.8).

ClinVar aggregate classification (germline): Likely pathogenic (1 of 4 stars; one submission).

Conditions:
Dyskeratosis congenita, autosomal recessive 5 (DKCB5). Identifiers: MedGen C3554656, MONDO:0014076, OMIM 615190.
Pulmonary fibrosis and/or bone marrow failure, Telomere-related, 3. Also called: PULMONARY FIBROSIS AND/OR BONE MARROW FAILURE SYNDROME, TELOMERE-RELATED, 3. Identifiers: Orphanet 2032, MedGen C4225346, MONDO:0014613, OMIM 616373.

Submission:

Labcorp Genetics (formerly Invitae), Labcorp
Classification: Likely pathogenic for Dyskeratosis congenita, autosomal recessive 5; Pulmonary fibrosis and/or bone marrow failure, Telomere-related, 3. Last evaluated: 2021-06-26. Review status: criteria provided, single submitter. Criteria: Invitae Variant Classification Sherloc (09022015). Collection method: clinical testing. Allele origin: germline.
Comment: This variant results in a copy number gain of the genomic region encompassing exon(s) 8 of the RTEL1 gene. While the exact position of this variant cannot be determined from the data, sub-genic copy number gains are generally in tandem (PMID: 25640679). This variant is predicted to be out-of-frame, and may result in an absent or disrupted protein product. Loss-of-function variants in RTEL1 are known to be pathogenic (PMID: 23453664, 23959892, 25607374). This variant has not been reported in the literature in individuals with RTEL1-related conditions. In summary, the currently available evidence indicates that the variant is pathogenic, but additional data are needed to prove that conclusively. Therefore, this variant has been classified as Likely Pathogenic.

Literature cited by the submitters: PubMed 25640679; PubMed 23453664; PubMed 23959892; PubMed 25607374.